The following is an entry in ClinVar:

NM_001182.5(ALDH7A1):c.142C>G (p.Arg48Gly)

Gene: ALDH7A1 (aldehyde dehydrogenase 7 family member A1; minus strand). Cytogenetic location: 5q23.2.
Variant type: single nucleotide variant.
Coding change: c.142C>G on transcript NM_001182.5 (MANE Select); coding-DNA position 142, C replaced by G.
Protein change: p.Arg48Gly; replaces arginine 48 with glycine.
Molecular consequence: missense variant.
Genome position (GRCh38, 1-based): chr5:126,595,057, G>C on the plus strand (C>G on the coding strand, the complement: ALDH7A1 is on the minus strand). VCF-style: chr5-126595057-G-C. GRCh37 (hg19) VCF-style: chr5-125930749-G-C.
Other names: c.58C>G, p.Arg20Gly (NM_001201377.2); c.142C>G, p.Arg48Gly (NM_001202404.2); short protein forms R20G, R48G.
Identifiers: ClinVar variation 4071703 (VCV004071703.1).

ClinVar aggregate classification (germline): Uncertain significance (1 of 4 stars; one submission).

Submission:

GeneDx
Classification: Uncertain significance. Last evaluated: 2025-01-24. Review status: criteria provided, single submitter. Criteria: GeneDx Variant Classification Process June 2021. Collection method: clinical testing. Allele origin: germline. Affected: yes.
Comment: Not observed at significant frequency in large population cohorts (gnomAD); In silico analysis indicates that this missense variant does not alter protein structure/function; Has not been previously published as pathogenic or benign to our knowledge